The following is an entry in ClinVar:

NM_001258038.2(SPRY1):c.255G>A (p.Val85=)

Gene: SPRY1 (sprouty RTK signaling antagonist 1; plus strand). Cytogenetic location: 4q28.1.
Variant type: single nucleotide variant.
Coding change: c.255G>A on transcript NM_001258038.2 (MANE Select); coding-DNA position 255, G replaced by A.
Protein change: p.Val85=; no amino-acid change (valine 85 retained).
Molecular consequence: synonymous variant.
Genome position (GRCh38, 1-based): chr4:123,401,846, G>A. VCF-style: chr4-123401846-G-A. GRCh37 (hg19) VCF-style: chr4-124323001-G-A.
Other names: c.255G>A, p.Val85= (NM_001258039.1, NM_001375410.1, NM_005841.3 and 1 more transcripts).
Identifiers: ClinVar variation 3045307 (VCV003045307.2), dbSNP rs6815848, ClinGen allele CA3070862.
Genomic context (GRCh38, chr4:123,401,846, plus strand): 5'-TCGGACAGCACCAAGACAAGAAAAGCATGAAAGGACTCATGAAATCATACCAATTAATGT[G>A]AATAATAACTACGAGCACAGACACACAAGCCACCTGGGACATGCAGTACTCCCAAGTAAT-3'
Protein context (NP_001244967.1, residues 75-95): ERTHEIIPIN[Val85=]NNNYEHRHTS

ClinVar aggregate classification (germline): Benign (0 of 4 stars; one submission).

Conditions:
SPRY1-related disorder. Also called: SPRY1-related condition.

Allele frequency attached by ClinVar (database versions not stated): gnomAD exomes 0.00054; ExAC 0.00153; 1000 Genomes Project 30x 0.00344; 1000 Genomes Project 0.00379; gnomAD 0.00499; TOPMed 0.00552; ESP Exome Variant Server 0.00623.

Submission:

PreventionGenetics, part of Exact Sciences
Classification: Benign for SPRY1-related condition. Last evaluated: 2020-02-10. Review status: no assertion criteria provided. Collection method: clinical testing. Allele origin: germline.
Comment: This variant is classified as benign based on ACMG/AMP sequence variant interpretation guidelines (Richards et al. 2015 PMID: 25741868, with internal and published modifications).